The following is an entry in ClinVar:

ClinVar aggregate classification (germline): Uncertain significance (1 of 4 stars; one submission).

Conditions:
Inborn genetic diseases. Identifiers: MedGen C0950123, MeSH D030342.

Submission:

Ambry Genetics
Classification: Uncertain significance for Inborn genetic diseases. Last evaluated: 2025-03-26. Review status: criteria provided, single submitter. Criteria: Ambry Variant Classification Scheme 2023. Collection method: clinical testing. Allele origin: germline.
Comment: The p.T358R variant (also known as c.1073C>G), located in coding exon 12 of the RTEL1 gene, results from a C to G substitution at nucleotide position 1073. The threonine at codon 358 is replaced by arginine, an amino acid with similar properties. This amino acid position is conserved. In addition, the in silico prediction for this alteration is inconclusive. Based on the available evidence, the clinical significance of this variant remains unclear.

NM_001283009.2(RTEL1):c.1073C>G (p.Thr358Arg)

Genes: RTEL1 (regulator of telomere elongation helicase 1; plus strand), RTEL1-TNFRSF6B (RTEL1-TNFRSF6B readthrough (NMD candidate); plus strand). Cytogenetic location: 20q13.33.
Variant type: single nucleotide variant.
Coding change: c.1073C>G on transcript NM_001283009.2 (MANE Select); coding-DNA position 1073, C replaced by G.
Protein change: p.Thr358Arg; replaces threonine 358 with arginine.
Molecular consequence: missense variant. On other transcripts: non-coding transcript variant (1).
Genome position (GRCh38, 1-based): chr20:63,679,884, C>G. VCF-style: chr20-63679884-C-G. GRCh37 (hg19) VCF-style: chr20-62311237-C-G.
Other names: c.404C>G, p.Thr135Arg (NM_001283010.1); c.1073C>G, p.Thr358Arg (NM_016434.4); c.1145C>G, p.Thr382Arg (NM_032957.5); short protein forms T135R, T382R, T358R.
Identifiers: ClinVar variation 3948259 (VCV003948259.1).
Genomic context (GRCh38, chr20:63,679,884, plus strand): 5'-GAGCCTGCCTTCTTCTCCTCGGCAGCTACATCTTTGAGCTGTTTGCTGAAGCCCAGATCA[C>G]GTTTCAGACCAAGGGCTGCATCCTGGACTCGCTGGACCAGATCATCCAGCACCTGGCAGG-3'
Protein context (NP_001269938.1, residues 348-368): IFELFAEAQI[Thr358Arg]FQTKGCILDS